The following is an entry in ClinVar:

NM_000353.3(TAT):c.1046A>G (p.Asn349Ser)

Genes: TAT (tyrosine aminotransferase; minus strand), TAT-AS1 (TAT antisense RNA 1; plus strand). Cytogenetic location: 16q22.2.
Variant type: single nucleotide variant.
Coding change: c.1046A>G on transcript NM_000353.3 (MANE Select); coding-DNA position 1046, A replaced by G.
Protein change: p.Asn349Ser; replaces asparagine 349 with serine.
Molecular consequence: missense variant.
Genome position (GRCh38, 1-based): chr16:71,569,933, T>C on the plus strand (A>G on the coding strand, the complement: TAT is on the minus strand). VCF-style: chr16-71569933-T-C. GRCh37 (hg19) VCF-style: chr16-71603836-T-C.
Other names: short protein forms N349S.
Identifiers: ClinVar variation 320406 (VCV000320406.8), dbSNP rs138304751, ClinGen allele CA8153811.

ClinVar aggregate classification (germline): Uncertain significance. Review status: criteria provided, multiple submitters, no conflicts (2 of 4 stars). 2 submissions from 2 submitters: Uncertain significance (2). Last evaluated 2024-08-13.

Conditions:
Tyrosinemia type II (TYRSN2). Also called: KERATOSIS PALMOPLANTARIS WITH CORNEAL DYSTROPHY; OREGON TYPE TYROSINEMIA; TAT DEFICIENCY; TYROSINE AMINOTRANSFERASE DEFICIENCY; TYROSINE TRANSAMINASE DEFICIENCY. Identifiers: Orphanet 28378, MedGen C0268487, MONDO:0010160, OMIM 276600.

Allele frequency attached by ClinVar (database versions not stated): TOPMed 0.00026; gnomAD 0.00029 and 0.00031; gnomAD exomes 0.00035; ExAC 0.00038; ESP Exome Variant Server 0.00038; 1000 Genomes Project 0.00040; 1000 Genomes Project 30x 0.00047.
gnomAD v4.1: 570 of 1,613,356 alleles (0.035%); highest among the groups gnomAD compares: South Asian, 0.083%; 2 homozygotes.

Submissions (2):

Labcorp Genetics (formerly Invitae), Labcorp
Classification: Uncertain significance for Tyrosinemia type II. Last evaluated: 2024-08-13. Review status: criteria provided, single submitter. Criteria: Invitae Variant Classification Sherloc (09022015). Collection method: clinical testing. Allele origin: germline.
Comment: This sequence change replaces asparagine, which is neutral and polar, with serine, which is neutral and polar, at codon 349 of the TAT protein (p.Asn349Ser). This variant is present in population databases (rs138304751, gnomAD 0.08%). This variant has not been reported in the literature in individuals affected with TAT-related conditions. ClinVar contains an entry for this variant (Variation ID: 320406). Advanced modeling of protein sequence and biophysical properties (such as structural, functional, and spatial information, amino acid conservation, physicochemical variation, residue mobility, and thermodynamic stability) performed at Invitae indicates that this missense variant is not expected to disrupt TAT protein function with a negative predictive value of 80%. In summary, the available evidence is currently insufficient to determine the role of this variant in disease. Therefore, it has been classified as a Variant of Uncertain Significance.

Illumina Laboratory Services, Illumina
Classification: Uncertain significance for Tyrosinemia type II. Last evaluated: 2018-01-13. Review status: criteria provided, single submitter. Criteria: ICSL Variant Classification Criteria 13 December 2019. Collection method: clinical testing. Allele origin: germline.